The following is an entry in ClinVar:

ClinVar aggregate classification (germline): Likely benign. Review status: criteria provided, multiple submitters, no conflicts (2 of 4 stars). 3 submissions from 3 submitters: Likely benign (3). Last evaluated 2025-08-13.

Allele frequency attached by ClinVar (database versions not stated): gnomAD exomes 0.00001; TOPMed 0.00002.
gnomAD v4.1: 15 of 1,613,764 alleles (0.00093%); highest among the groups gnomAD compares: South Asian, 0.0044%; no homozygotes.

Submissions (3):

Mayo Clinic Laboratories, Mayo Clinic
Classification: Likely benign. Last evaluated: 2025-08-13. Review status: criteria provided, single submitter. Criteria: ACMG Guidelines, 2015. Collection method: clinical testing. Allele origin: germline. Observed: 1 variant allele.
Comment: BP4, BP7

Labcorp Genetics (formerly Invitae), Labcorp
Classification: Likely benign. Last evaluated: 2025-07-28. Review status: criteria provided, single submitter. Criteria: Invitae Variant Classification Sherloc (09022015). Collection method: clinical testing. Allele origin: germline.

Blueprint Genetics
Classification: Likely benign. Last evaluated: 2018-10-16. Review status: criteria provided, single submitter. Criteria: ACMG Guidelines, 2015. Collection method: clinical testing. Allele origin: germline.

NM_002335.4(LRP5):c.2439C>T (p.Tyr813=)

Gene: LRP5 (LDL receptor related protein 5; plus strand). Cytogenetic location: 11q13.2.
Variant type: single nucleotide variant.
Coding change: c.2439C>T on transcript NM_002335.4 (MANE Select); coding-DNA position 2439, C replaced by T.
Protein change: p.Tyr813=; no amino-acid change (tyrosine 813 retained).
Molecular consequence: synonymous variant.
Genome position (GRCh38, 1-based): chr11:68,411,556, C>T. VCF-style: chr11-68411556-C-T. GRCh37 (hg19) VCF-style: chr11-68179024-C-T.
Other names: p.Tyr813=; c.696C>T, p.Tyr232= (NM_001291902.2).
Identifiers: ClinVar variation 2193406 (VCV002193406.6), dbSNP rs970624123, ClinGen allele CA224273619.